The following is an entry in ClinVar:

NM_006445.4(PRPF8):c.4674G>A (p.Thr1558=)

Gene: PRPF8 (pre-mRNA processing factor 8; minus strand). Cytogenetic location: 17p13.3.
Variant type: single nucleotide variant.
Coding change: c.4674G>A on transcript NM_006445.4 (MANE Select); coding-DNA position 4674, G replaced by A.
Protein change: p.Thr1558=; no amino-acid change (threonine 1558 retained).
Molecular consequence: synonymous variant.
Genome position (GRCh38, 1-based): chr17:1,660,543, C>T on the plus strand (G>A on the coding strand, the complement: PRPF8 is on the minus strand). VCF-style: chr17-1660543-C-T. GRCh37 (hg19) VCF-style: chr17-1563837-C-T.
Identifiers: ClinVar variation 1168350 (VCV001168350.22), dbSNP rs140446903, ClinGen allele CA8271605.

ClinVar aggregate classification (germline): Benign/Likely benign. Review status: criteria provided, multiple submitters, no conflicts (2 of 4 stars). 4 submissions from 4 submitters: Benign (2); Likely benign (2). Last evaluated 2025-12-24.

Allele frequency attached by ClinVar (database versions not stated): gnomAD exomes 0.00012; ExAC 0.00017; ESP Exome Variant Server 0.00046; TOPMed 0.00053; gnomAD 0.00055 and 0.00062; 1000 Genomes Project 0.00060; 1000 Genomes Project 30x 0.00062.
gnomAD v4.1: 146 of 1,614,166 alleles (0.009%); highest among the groups gnomAD compares: African/African-American, 0.18%; no homozygotes.

Submissions (4):

Labcorp Genetics (formerly Invitae), Labcorp
Classification: Benign. Last evaluated: 2025-12-24. Review status: criteria provided, single submitter. Criteria: Invitae Variant Classification Sherloc (09022015). Collection method: clinical testing. Allele origin: germline.

CeGaT Center for Human Genetics Tuebingen
Classification: Likely benign. Last evaluated: 2024-09-01. Review status: criteria provided, single submitter. Criteria: CeGaT Center For Human Genetics Tuebingen Variant Classification Criteria Version 2. Collection method: clinical testing. Allele origin: germline. Affected: yes. Observed: 1 variant allele.
Comment: PRPF8: BP4, BP7, BS1

Blueprint Genetics
Classification: Likely benign. Last evaluated: 2024-02-19. Review status: criteria provided, single submitter. Criteria: ACMG Guidelines, 2015. Collection method: clinical testing. Allele origin: germline.

Breakthrough Genomics
Classification: Benign. Review status: criteria provided, single submitter. Criteria: ACMG Guidelines, 2015. Collection method: not provided. Allele origin: germline. Inheritance: Autosomal dominant inheritance. Affected: yes.